The following is an entry in ClinVar:

NM_006289.4(TLN1):c.3682-7C>T

Genes: TLN1 (talin 1; minus strand), LOC126860621 (BRD4-independent group 4 enhancer GRCh37_chr9:35710778-35711977; plus strand). Cytogenetic location: 9p13.3.
Variant type: single nucleotide variant.
Coding change: c.3682-7C>T on transcript NM_006289.4 (MANE Select); 7 bases into the intron before coding-DNA position 3682, C replaced by T.
Molecular consequence: intron variant.
Genome position (GRCh38, 1-based): chr9:35,711,799, G>A on the plus strand (C>T on the coding strand, the complement: TLN1 is on the minus strand). VCF-style: chr9-35711799-G-A. GRCh37 (hg19) VCF-style: chr9-35711796-G-A.
Identifiers: ClinVar variation 3050703 (VCV003050703.2), dbSNP rs112029310, ClinGen allele CA5048534.
Genomic context (GRCh38, chr9:35,711,799, plus strand): 5'-AGCTTCATTCAACCGGCTCTGAGCTTCTTGAAATGTCCCAGTGCTAGGAGGAAGCTGCAA[G>A]GTGAGAGGGGAAGTCAGACAGAAGAGTGGGGAATGATGCAGGGAGAAGTCTGGTAAAGGA-3'

ClinVar aggregate classification (germline): Likely benign (0 of 4 stars; one submission).

Conditions:
TLN1-related disorder. Also called: TLN1-related condition.

Allele frequency attached by ClinVar (database versions not stated): gnomAD exomes 0.00007; 1000 Genomes Project 30x 0.00016; ExAC 0.00017; 1000 Genomes Project 0.00020; ESP Exome Variant Server 0.00046; gnomAD 0.00076.
gnomAD v4.1: 235 of 1,613,914 alleles (0.015%); highest among the groups gnomAD compares: African/African-American, 0.25%; no homozygotes.

Submission:

PreventionGenetics, part of Exact Sciences
Classification: Likely benign for TLN1-related condition. Last evaluated: 2020-06-22. Review status: no assertion criteria provided. Collection method: clinical testing. Allele origin: germline.
Comment: This variant is classified as likely benign based on ACMG/AMP sequence variant interpretation guidelines (Richards et al. 2015 PMID: 25741868, with internal and published modifications).